The following is an entry in ClinVar:

ClinVar aggregate classification (germline): Uncertain significance. Review status: criteria provided, multiple submitters, no conflicts (2 of 4 stars). 2 submissions from 2 submitters: Uncertain significance (2). Last evaluated 2024-02-14.

Conditions:
Multiple endocrine neoplasia type 4. Also called: MULTIPLE ENDOCRINE NEOPLASIA, TYPE IV. Identifiers: Orphanet 276152, MedGen C1970712, MONDO:0012552, OMIM 610755.
Hereditary cancer-predisposing syndrome. Also called: Neoplastic Syndromes, Hereditary; Tumor predisposition; Hereditary Cancer Syndrome; Hereditary neoplastic syndrome. Identifiers: Orphanet 140162, MedGen C0027672, MeSH D009386, MONDO:0015356.

Submissions (2):

Labcorp Genetics (formerly Invitae), Labcorp
Classification: Uncertain significance for Multiple endocrine neoplasia type 4. Last evaluated: 2024-02-14. Review status: criteria provided, single submitter. Criteria: Invitae Variant Classification Sherloc (09022015). Collection method: clinical testing. Allele origin: germline.
Comment: This sequence change replaces alanine, which is neutral and non-polar, with serine, which is neutral and polar, at codon 167 of the CDKN1B protein (p.Ala167Ser). This variant is not present in population databases (gnomAD no frequency). This variant has not been reported in the literature in individuals affected with CDKN1B-related conditions. ClinVar contains an entry for this variant (Variation ID: 1744649). An algorithm developed to predict the effect of missense changes on protein structure and function (PolyPhen-2) suggests that this variant is likely to be tolerated. In summary, the available evidence is currently insufficient to determine the role of this variant in disease. Therefore, it has been classified as a Variant of Uncertain Significance.

Ambry Genetics
Classification: Uncertain significance for Hereditary cancer-predisposing syndrome. Last evaluated: 2020-09-29. Review status: criteria provided, single submitter. Criteria: Ambry Variant Classification Scheme 2023. Collection method: clinical testing. Allele origin: germline.
Comment: The p.A167S variant (also known as c.499G>T), located in coding exon 2 of the CDKN1B gene, results from a G to T substitution at nucleotide position 499. The alanine at codon 167 is replaced by serine, an amino acid with similar properties. This amino acid position is well conserved in available vertebrate species. In addition, this alteration is predicted to be tolerated by in silico analysis. Since supporting evidence is limited at this time, the clinical significance of this alteration remains unclear.

NM_004064.5(CDKN1B):c.499G>T (p.Ala167Ser)

Gene: CDKN1B (cyclin dependent kinase inhibitor 1B; plus strand). Cytogenetic location: 12p13.1.
Variant type: single nucleotide variant.
Coding change: c.499G>T on transcript NM_004064.5 (MANE Select); coding-DNA position 499, G replaced by T.
Protein change: p.Ala167Ser; replaces alanine 167 with serine.
Molecular consequence: missense variant.
Genome position (GRCh38, 1-based): chr12:12,718,848, G>T. VCF-style: chr12-12718848-G-T. GRCh37 (hg19) VCF-style: chr12-12871782-G-T.
Other names: short protein forms A167S.
Identifiers: ClinVar variation 1744649 (VCV001744649.4), dbSNP rs763817628, ClinGen allele CA383972720.